The following is an entry in ClinVar:

ClinVar aggregate classification (germline): Uncertain significance. Review status: criteria provided, multiple submitters, no conflicts (2 of 4 stars). 3 submissions from 3 submitters: Uncertain significance (3). Last evaluated 2026-01-05.

Allele frequency attached by ClinVar (database versions not stated): gnomAD 0.00002; TOPMed 0.00005; gnomAD exomes 0.00008; ExAC 0.00009.
gnomAD v4.1: 40 of 1,613,530 alleles (0.0025%); highest among the groups gnomAD compares: Admixed American, 0.043%; no homozygotes.

Submissions (3):

Labcorp Genetics (formerly Invitae), Labcorp
Classification: Uncertain significance. Last evaluated: 2026-01-05. Review status: criteria provided, single submitter. Criteria: Invitae Variant Classification Sherloc (09022015). Collection method: clinical testing. Allele origin: germline.
Comment: This sequence change falls in intron 35 of the COL11A1 gene. It does not directly change the encoded amino acid sequence of the COL11A1 protein. It affects a nucleotide within the consensus splice site. This variant is present in population databases (rs201183993, gnomAD 0.05%). This variant has not been reported in the literature in individuals affected with COL11A1-related conditions. ClinVar contains an entry for this variant (Variation ID: 595511). Variants that disrupt the consensus splice site are a relatively common cause of aberrant splicing (PMID: 17576681, 9536098). Algorithms developed to predict the effect of sequence changes on RNA splicing suggest that this variant is not likely to affect RNA splicing. In summary, the available evidence is currently insufficient to determine the role of this variant in disease. Therefore, it has been classified as a Variant of Uncertain Significance.

Blueprint Genetics
Classification: Uncertain significance. Last evaluated: 2023-10-03. Review status: criteria provided, single submitter. Criteria: ACMG Guidelines, 2015. Collection method: clinical testing. Allele origin: germline.

Eurofins Ntd Llc (ga)
Classification: Uncertain significance. Last evaluated: 2017-12-27. Review status: criteria provided, single submitter. Criteria: EGL Classification Definitions 2015. Collection method: clinical testing. Allele origin: germline. Observed: 1 variant allele, 1 heterozygote.

Literature cited by the submitters: PubMed 17576681 (cited by Labcorp Genetics (formerly Invitae), Labcorp); PubMed 9536098 (cited by Labcorp Genetics (formerly Invitae), Labcorp).

NM_001854.4(COL11A1):c.2754+4C>T

Gene: COL11A1 (collagen type XI alpha 1 chain; minus strand). Cytogenetic location: 1p21.1.
Variant type: single nucleotide variant.
Coding change: c.2754+4C>T on transcript NM_001854.4 (MANE Select); 4 bases into the intron after coding-DNA position 2754, C replaced by T.
Molecular consequence: intron variant.
Genome position (GRCh38, 1-based): chr1:102,978,704, G>A on the plus strand (C>T on the coding strand, the complement: COL11A1 is on the minus strand). VCF-style: chr1-102978704-G-A. GRCh37 (hg19) VCF-style: chr1-103444260-G-A.
Other names: c.2637+4C>T (NM_001190709.2); c.2790+4C>T (NM_080629.3); c.2406+4C>T (NM_080630.4).
Identifiers: ClinVar variation 595511 (VCV000595511.11), dbSNP rs201183993, ClinGen allele CA974294.